The following is an entry in ClinVar:

NM_000059.4(BRCA2):c.7185C>T (p.His2395=)

Gene: BRCA2 (BRCA2 DNA repair associated; plus strand). Cytogenetic location: 13q13.1.
Variant type: single nucleotide variant.
Coding change: c.7185C>T on transcript NM_000059.4 (MANE Select); coding-DNA position 7185, C replaced by T.
Protein change: p.His2395=; no amino-acid change (histidine 2395 retained).
Molecular consequence: synonymous variant.
Genome position (GRCh38, 1-based): chr13:32,355,038, C>T. VCF-style: chr13-32355038-C-T. GRCh37 (hg19) VCF-style: chr13-32929175-C-T.
Identifiers: ClinVar variation 252408 (VCV000252408.18), dbSNP rs730881580, ClinGen allele CA10585899.

ClinVar aggregate classification (germline): Likely benign. Review status: reviewed by expert panel (3 of 4 stars). 6 submissions from 6 submitters: Likely benign (1). 5 of the submissions do not count toward it. Last evaluated 2017-06-29.

Conditions:
Hereditary cancer-predisposing syndrome. Also called: Tumor predisposition; Hereditary Cancer Syndrome; Neoplastic Syndromes, Hereditary; Hereditary neoplastic syndrome. Identifiers: Orphanet 140162, MedGen C0027672, MeSH D009386, MONDO:0015356.
Hereditary breast ovarian cancer syndrome. Also called: Hereditary breast and ovarian cancer; Breast and ovarian cancer; Hereditary breast and/or ovarian cancer syndrome; BRCA1- and BRCA2-Associated Hereditary Breast and Ovarian Cancer; Hereditary breast and ovarian cancer syndrome; Hereditary breast and ovarian cancer syndrome (HBOC). Identifiers: Orphanet 145, MedGen C0677776, MeSH D061325, MONDO:0003582. Disease mechanism: loss of function.
Breast-ovarian cancer, familial, susceptibility to, 2 (BROVCA2). Also called: BRCA2 Hereditary Breast and Ovarian Cancer. Identifiers: Orphanet 145, MedGen C2675520, MONDO:0012933, OMIM 612555. Disease mechanism: loss of function.

Allele frequency attached by ClinVar (database versions not stated): TOPMed 0.00001.

Submissions (6):

Evidence-based Network for the Interpretation of Germline Mutant Alleles (ENIGMA)
Classification: Likely benign for Breast-ovarian cancer, familial, susceptibility to, 2. Last evaluated: 2017-06-29. Review status: reviewed by expert panel. Criteria: ENIGMA BRCA1/2 Classification Criteria (2017-06-29). Collection method: curation. Allele origin: germline.
Comment: Synonymous substitution variant, with low bioinformatic likelihood to result in a splicing aberration (Splicing prior probability 0.02).

Labcorp Genetics (formerly Invitae), Labcorp
Classification: Likely benign for Hereditary breast ovarian cancer syndrome. Last evaluated: 2025-09-17. Review status: criteria provided, single submitter. Criteria: Invitae Variant Classification Sherloc (09022015). Collection method: clinical testing. Allele origin: germline. Not counted in ClinVar's aggregate classification.

Women's Health and Genetics/Laboratory Corporation of America, LabCorp
Classification: Likely benign. Last evaluated: 2024-05-05. Review status: criteria provided, single submitter. Criteria: LabCorp Variant Classification Summary - May 2015. Collection method: clinical testing. Allele origin: germline. Not counted in ClinVar's aggregate classification.

Quest Diagnostics Nichols Institute San Juan Capistrano
Classification: Likely benign. Last evaluated: 2021-04-30. Review status: criteria provided, single submitter. Criteria: Quest Diagnostics criteria. Collection method: clinical testing. Allele origin: unknown. Not counted in ClinVar's aggregate classification.

Color Diagnostics, LLC DBA Color Health
Classification: Likely benign for Hereditary cancer-predisposing syndrome. Last evaluated: 2017-08-02. Review status: criteria provided, single submitter. Criteria: ACMG Guidelines, 2015. Collection method: clinical testing. Allele origin: germline. Not counted in ClinVar's aggregate classification.

Ambry Genetics
Classification: Likely benign for Hereditary cancer-predisposing syndrome. Last evaluated: 2015-10-11. Review status: criteria provided, single submitter. Criteria: Ambry Variant Classification Scheme 2023. Collection method: clinical testing. Allele origin: germline. Not counted in ClinVar's aggregate classification.